The following is an entry in ClinVar:

ClinVar aggregate classification (germline): Uncertain significance (1 of 4 stars; one submission).

Conditions:
Hereditary nonpolyposis colorectal neoplasms. Identifiers: MedGen C0009405, MeSH D003123.

Allele frequency attached by ClinVar (database versions not stated): gnomAD 0.00001; ExAC 0.00002.
gnomAD v4.1: 7 of 1,613,996 alleles (0.00043%); highest among the groups gnomAD compares: South Asian, 0.0077%; no homozygotes.

Submission:

Labcorp Genetics (formerly Invitae), Labcorp
Classification: Uncertain significance for Hereditary nonpolyposis colorectal neoplasms. Last evaluated: 2023-10-04. Review status: criteria provided, single submitter. Criteria: Invitae Variant Classification Sherloc (09022015). Collection method: clinical testing. Allele origin: germline.
Comment: This sequence change replaces arginine, which is basic and polar, with serine, which is neutral and polar, at codon 451 of the PMS2 protein (p.Arg451Ser). This variant is present in population databases (rs776194799, gnomAD 0.01%). This variant has not been reported in the literature in individuals affected with PMS2-related conditions. Advanced modeling of protein sequence and biophysical properties (such as structural, functional, and spatial information, amino acid conservation, physicochemical variation, residue mobility, and thermodynamic stability) performed at Invitae indicates that this missense variant is not expected to disrupt PMS2 protein function. In summary, the available evidence is currently insufficient to determine the role of this variant in disease. Therefore, it has been classified as a Variant of Uncertain Significance.

NM_000535.7(PMS2):c.1353G>C (p.Arg451Ser)

Gene: PMS2 (PMS1 homolog 2, mismatch repair system component; minus strand). Cytogenetic location: 7p22.1.
Variant type: single nucleotide variant.
Coding change: c.1353G>C on transcript NM_000535.7 (MANE Select); coding-DNA position 1353, G replaced by C.
Protein change: p.Arg451Ser; replaces arginine 451 with serine.
Molecular consequence: missense variant. On other transcripts: non-coding transcript variant (1), intron variant (1).
Genome position (GRCh38, 1-based): chr7:5,987,412, C>G on the plus strand (G>C on the coding strand, the complement: PMS2 is on the minus strand). VCF-style: chr7-5987412-C-G. GRCh37 (hg19) VCF-style: chr7-6027043-C-G.
Other names: c.1197G>C, p.Arg399Ser (NM_001406870.1, NM_001322006.2); c.1353G>C, p.Arg451Ser (NM_001406871.1, NM_001406872.1, NM_001322014.2); c.1155G>C, p.Arg385Ser (NM_001406873.1); c.1185G>C, p.Arg395Ser (NM_001406874.1); c.1044G>C, p.Arg348Ser (NM_001406875.1, NM_001406877.1, NM_001406878.1 and 5 more transcripts); c.1035G>C, p.Arg345Ser (NM_001406876.1, NM_001322007.2, NM_001322008.2 and 2 more transcripts); c.948G>C, p.Arg316Ser (NM_001406889.1, NM_001406890.1, NM_001406891.1 and 17 more transcripts); c.792G>C, p.Arg264Ser (NM_001322010.2, NM_001406906.1, NM_001406907.1); and 13 more; short protein forms R513S, R260S, R264S, R385S, R395S, R140S, R280S, R316S.
Identifiers: ClinVar variation 2873699 (VCV002873699.3), dbSNP rs776194799, ClinGen allele CA043101.
Genomic context (GRCh38, chr7:5,987,412, plus strand): 5'-CTGAGGTCTCAGGACGCCTTTGTCAGAGATGGCACCTGAAGTGCTAGAAGACAGCATACC[C>G]CTTTTCTGTCCTAGAGGGCTCCTTCTTGGTTCTGGAGTCTTTGGGCTGTGAGGCTTGTTC-3'
Protein context (NP_000526.2, residues 441-461): EPRRSPLGQK[Arg451Ser]GMLSSSTSGA